The following is an entry in ClinVar:

ClinVar aggregate classification (germline): Uncertain significance (1 of 4 stars; one submission).

gnomAD v4.1: 5 of 1,614,024 alleles (0.00031%); highest among the groups gnomAD compares: Non-Finnish European, 0.00042%; no homozygotes.

Submission:

Ambry Genetics
Classification: Uncertain significance. Last evaluated: 2026-03-30. Review status: criteria provided, single submitter. Criteria: Ambry Variant Classification Scheme 2023. Collection method: clinical testing. Allele origin: germline.
Comment: The p.H501R variant (also known as c.1502A>G), located in coding exon 13 of the GEN1 gene, results from an A to G substitution at nucleotide position 1502. The histidine at codon 501 is replaced by arginine, an amino acid with highly similar properties. This amino acid position is conserved. In addition, this alteration is predicted to be tolerated by in silico analysis. Based on the available evidence, the clinical significance of this variant remains unclear.

NM_001130009.3(GEN1):c.1502A>G (p.His501Arg)

Gene: GEN1 (GEN1 structure-specific endonuclease; plus strand). Cytogenetic location: 2p24.2.
Variant type: single nucleotide variant.
Coding change: c.1502A>G on transcript NM_001130009.3 (MANE Select); coding-DNA position 1502, A replaced by G.
Protein change: p.His501Arg; replaces histidine 501 with arginine.
Molecular consequence: missense variant.
Genome position (GRCh38, 1-based): chr2:17,780,714, A>G. VCF-style: chr2-17780714-A-G. GRCh37 (hg19) VCF-style: chr2-17961981-A-G.
Other names: c.1502A>G, p.His501Arg (NM_182625.5); short protein forms H501R.
Identifiers: ClinVar variation 4857951 (VCV004857951.1).
Genomic context (GRCh38, chr2:17,780,714, plus strand): 5'-CAGATGAAGTAATGAGCTTTCAGTCACACATGACTTTAAAACCCACATGTGAAATCTTTC[A>G]TAAGCAGAATTCCAAGTTAAATTCGGGGATTTCCCCTGATCCTACATTACCACAGGAATC-3'
Protein context (NP_001123481.3, residues 491-511): MTLKPTCEIF[His501Arg]KQNSKLNSGI